The following is an entry in ClinVar:

NM_020812.4(DOCK6):c.2096G>A (p.Trp699Ter)

Gene: DOCK6 (dedicator of cytokinesis 6; minus strand). Cytogenetic location: 19p13.2.
Variant type: single nucleotide variant.
Coding change: c.2096G>A on transcript NM_020812.4 (MANE Select); coding-DNA position 2096, G replaced by A.
Protein change: p.Trp699Ter; replaces tryptophan 699 with a stop codon.
Molecular consequence: nonsense.
Genome position (GRCh38, 1-based): chr19:11,236,857, C>T on the plus strand (G>A on the coding strand, the complement: DOCK6 is on the minus strand). VCF-style: chr19-11236857-C-T. GRCh37 (hg19) VCF-style: chr19-11347533-C-T.
Other names: c.2096G>A, p.Trp699Ter (NM_001367830.1); short protein forms W699*.
Identifiers: ClinVar variation 3044096 (VCV003044096.3), dbSNP rs757170859, ClinGen allele CA9207733.

ClinVar aggregate classification (germline): Pathogenic. Review status: criteria provided, single submitter (1 of 4 stars). 2 submissions from 2 submitters: Pathogenic (1). 1 of the submissions does not count toward it. Last evaluated 2024-06-06.

Conditions:
DOCK6-related disorder. Also called: DOCK6-related condition.
Adams-Oliver syndrome 2 (AOS2). Identifiers: Orphanet 974, MedGen C3280182, MONDO:0013635, OMIM 614219.

Allele frequency attached by ClinVar (database versions not stated): TOPMed below 0.00001; gnomAD 0.00001; gnomAD exomes 0.00001; ExAC 0.00010.

Submissions (2):

Division of Genetic & Genomic Pathology, Hong Kong Children's Hospital
Classification: Pathogenic for Adams-Oliver syndrome 2. Last evaluated: 2024-06-06. Review status: criteria provided, single submitter. Criteria: ACMG Guidelines, 2015. Collection method: clinical testing. Allele origin: germline. Affected: yes.
Comment: The DOCK6 c.2096G>A p.(Trp699Ter) nonsense variant is located in exon 19 out of 48 exons. It is predicted to cause loss of normal protein function by nonsense-mediated mRNA decay. This variant is present at a low frequency in population controls (gnomAD v4.1.0: 8 in 84,200 alleles in South Asian and absent in other populations, no homozygote). It has been deposited in ClinVar as likely pathogenic (accession no.: VCV003044096.1). For these reasons, this variant is classified as pathogenic.

PreventionGenetics, part of Exact Sciences
Classification: Likely pathogenic for DOCK6-related condition. Last evaluated: 2023-12-07. Review status: no assertion criteria provided. Collection method: clinical testing. Allele origin: germline. Not counted in ClinVar's aggregate classification.
Comment: The DOCK6 c.2096G>A variant is predicted to result in premature protein termination (p.Trp699*). To our knowledge, this variant has not been reported in the literature. This variant is reported in 0.0087% of alleles in individuals of South Asian descent in gnomAD. Nonsense variants in DOCK6 are expected to be pathogenic. This variant is interpreted as likely pathogenic.